The following is an entry in ClinVar:

ClinVar aggregate classification (germline): Uncertain significance (1 of 4 stars; one submission).

Allele frequency attached by ClinVar (database versions not stated): ExAC 0.00001; gnomAD 0.00001; 1000 Genomes Project 30x 0.00016; 1000 Genomes Project 0.00020.
gnomAD v4.1: 11 of 1,611,048 alleles (0.00068%); highest among the groups gnomAD compares: African/African-American, 0.0027%; no homozygotes.

Submission:

Women's Health and Genetics/Laboratory Corporation of America, LabCorp
Classification: Uncertain significance. Last evaluated: 2023-10-27. Review status: criteria provided, single submitter. Criteria: LabCorp Variant Classification Summary - May 2015. Collection method: clinical testing. Allele origin: germline.
Comment: Variant summary: DDX6 c.865-13G>A alters a non-conserved nucleotide located at a position not widely known to affect splicing. Consensus agreement among computation tools predict no significant impact on normal splicing. However, these predictions have yet to be confirmed by functional studies. The variant allele was found at a frequency of 8.1e-06 in 247316 control chromosomes (gnomAD). The available data on variant occurrences in the general population are insufficient to allow any conclusion about variant significance. To our knowledge, no occurrence of c.865-13G>A in individuals affected with Intellectual Developmental Disorder With Impaired Language And Dysmorphic Facies and no experimental evidence demonstrating its impact on protein function have been reported. No submitters have cited clinical-significance assessments for this variant to ClinVar after 2014. Based on the evidence outlined above, the variant was classified as uncertain significance.

NM_004397.6(DDX6):c.865-13G>A

Gene: DDX6 (DEAD-box helicase 6; minus strand). Cytogenetic location: 11q23.3.
Variant type: single nucleotide variant.
Coding change: c.865-13G>A on transcript NM_004397.6 (MANE Select); 13 bases into the intron before coding-DNA position 865, G replaced by A.
Molecular consequence: intron variant.
Genome position (GRCh38, 1-based): chr11:118,758,915, C>T on the plus strand (G>A on the coding strand, the complement: DDX6 is on the minus strand). VCF-style: chr11-118758915-C-T. GRCh37 (hg19) VCF-style: chr11-118629624-C-T.
Other names: c.865-13G>A (NM_001257191.3).
Identifiers: ClinVar variation 1722401 (VCV001722401.2), dbSNP rs532634727, ClinGen allele CA6308422.
Genomic context (GRCh38, chr11:118,758,915, plus strand): 5'-TAGTTCCTCCATCAGGTTAATCTCATAGGGTTTCTGCAAATGGGAATTCTGGGGGGGGAG[C>T]GGGAAAAAGATGAGTCGTCGTCTTAAATGAAAGCAGAGTTCATCTCAAATTCAAAATATA-3'